The following is an entry in ClinVar:

ClinVar aggregate classification (germline): Uncertain significance (1 of 4 stars; one submission).

Submission:

GeneDx
Classification: Uncertain significance. Last evaluated: 2022-01-12. Review status: criteria provided, single submitter. Criteria: GeneDx Variant Classification Process June 2021. Collection method: clinical testing. Allele origin: germline. Affected: yes.
Comment: Not observed at significant frequency in large population cohorts (gnomAD); In silico analysis supports a deleterious effect on splicing; Has not been previously published as pathogenic or benign to our knowledge

NM_016239.4(MYO15A):c.7327+5G>A

Gene: MYO15A (myosin XVA; plus strand). Cytogenetic location: 17p11.2.
Variant type: single nucleotide variant.
Coding change: c.7327+5G>A on transcript NM_016239.4 (MANE Select); 5 bases into the intron after coding-DNA position 7327, G replaced by A.
Molecular consequence: intron variant.
Genome position (GRCh38, 1-based): chr17:18,150,548, G>A. VCF-style: chr17-18150548-G-A. GRCh37 (hg19) VCF-style: chr17-18053862-G-A.
Identifiers: ClinVar variation 1697030 (VCV001697030.2), dbSNP rs1385446542, ClinGen allele CA2250852271.
Genomic context (GRCh38, chr17:18,150,548, plus strand): 5'-AGGCAGCAGTAGTGGTACTGAAGACACCCCCAGGAGACCCCCAGAGCCAAAGCCAAGTCA[G>A]TGCCTCCCCAGGGTGGTTCCAGGGTTGGGCAGGGCCAGAGCCACTTGCTGGTGTGCTAGA-3'